The following is an entry in ClinVar:

ClinVar aggregate classification (germline): Uncertain significance. Review status: criteria provided, multiple submitters, no conflicts (2 of 4 stars). 3 submissions from 3 submitters: Uncertain significance (3). Last evaluated 2025-11-20.

Conditions:
Klippel-Feil syndrome 1, autosomal dominant (KFS1). Also called: CERVICAL VERTEBRAL FUSION, AUTOSOMAL DOMINANT. Identifiers: Orphanet 2345, MedGen C1861689, MONDO:0007306, OMIM 118100.
Isolated microphthalmia 4. Identifiers: Orphanet 2542, MedGen C2751307, MONDO:0013130, OMIM 613094.
Leber congenital amaurosis 17 (LCA17). Identifiers: Orphanet 65, MedGen C3715164, MONDO:0014145, OMIM 615360.
Microphthalmia, isolated, with coloboma 6 (MCOPCB6). Also called: Microphthalmia with coloboma 6, digenic; Microphthalmia with coloboma 6; MICROPHTHALMIA/COLOBOMA 6. Identifiers: Orphanet 98938, MedGen C3150968, MONDO:0013376, OMIM 613703.
Inborn genetic diseases. Identifiers: MedGen C0950123, MeSH D030342.

gnomAD v4.1: 7 of 1,613,998 alleles (0.00043%); highest among the groups gnomAD compares: African/African-American, 0.0067%; 1 homozygote.

Submissions (3):

Ambry Genetics
Classification: Uncertain significance for Inborn genetic diseases. Last evaluated: 2025-11-20. Review status: criteria provided, single submitter. Criteria: Ambry Variant Classification Scheme 2023. Collection method: clinical testing. Allele origin: germline.

Blueprint Genetics
Classification: Uncertain significance. Last evaluated: 2024-08-07. Review status: criteria provided, single submitter. Criteria: ACMG Guidelines, 2015. Collection method: clinical testing. Allele origin: germline.

Labcorp Genetics (formerly Invitae), Labcorp
Classification: Uncertain significance for Isolated microphthalmia 4; Leber congenital amaurosis 17; Klippel-Feil syndrome 1, autosomal dominant; Microphthalmia, isolated, with coloboma 6. Last evaluated: 2022-11-01. Review status: criteria provided, single submitter. Criteria: Invitae Variant Classification Sherloc (09022015). Collection method: clinical testing. Allele origin: germline.
Comment: This sequence change replaces arginine, which is basic and polar, with proline, which is neutral and non-polar, at codon 91 of the GDF6 protein (p.Arg91Pro). In summary, the available evidence is currently insufficient to determine the role of this variant in disease. Therefore, it has been classified as a Variant of Uncertain Significance. Advanced modeling of protein sequence and biophysical properties (such as structural, functional, and spatial information, amino acid conservation, physicochemical variation, residue mobility, and thermodynamic stability) performed at Invitae indicates that this missense variant is not expected to disrupt GDF6 protein function. ClinVar contains an entry for this variant (Variation ID: 1008463). This variant has not been reported in the literature in individuals affected with GDF6-related conditions. This variant is not present in population databases (gnomAD no frequency).

NM_001001557.4(GDF6):c.272G>C (p.Arg91Pro)

Gene: GDF6 (growth differentiation factor 6; minus strand). Cytogenetic location: 8q22.1.
Variant type: single nucleotide variant.
Coding change: c.272G>C on transcript NM_001001557.4 (MANE Select); coding-DNA position 272, G replaced by C.
Protein change: p.Arg91Pro; replaces arginine 91 with proline.
Molecular consequence: missense variant.
Genome position (GRCh38, 1-based): chr8:96,160,421, C>G on the plus strand (G>C on the coding strand, the complement: GDF6 is on the minus strand). VCF-style: chr8-96160421-C-G. GRCh37 (hg19) VCF-style: chr8-97172649-C-G.
Other names: c.272G>C (NM_001001557.2); short protein forms R91P.
Identifiers: ClinVar variation 1008463 (VCV001008463.10), dbSNP rs768741148, ClinGen allele CA371753598.